The following is an entry in ClinVar:

NM_001034850.3(RETREG1):c.713T>C (p.Ile238Thr)

Gene: RETREG1 (reticulophagy regulator 1; minus strand). Cytogenetic location: 5p15.1.
Variant type: single nucleotide variant.
Coding change: c.713T>C on transcript NM_001034850.3 (MANE Select); coding-DNA position 713, T replaced by C.
Protein change: p.Ile238Thr; replaces isoleucine 238 with threonine.
Molecular consequence: missense variant.
Genome position (GRCh38, 1-based): chr5:16,478,945, A>G on the plus strand (T>C on the coding strand, the complement: RETREG1 is on the minus strand). VCF-style: chr5-16478945-A-G. GRCh37 (hg19) VCF-style: chr5-16479054-A-G.
Other names: c.290T>C, p.Ile97Thr (NM_019000.5); short protein forms I238T, I97T.
Identifiers: ClinVar variation 1800179 (VCV001800179.2), dbSNP rs991974394, ClinGen allele CA114757838.
Genomic context (GRCh38, chr5:16,478,945, plus strand): 5'-CCAATTCCAAAATCCAGTTTCAGCAGAACTGACTTAATTTTGCTGTAAATTTTTTGTCCA[A>G]TATCATTACATTTAAACAATGGACACAAAAATGCACACAGTACTGAAAGAAGAAAGAGAG-3'
Protein context (NP_001030022.1, residues 228-248): FLCPLFKCND[Ile238Thr]GQKIYSKIKS

ClinVar aggregate classification (germline): Uncertain significance (1 of 4 stars; one submission).

Conditions:
Inborn genetic diseases. Identifiers: MedGen C0950123, MeSH D030342.

Allele frequency attached by ClinVar (database versions not stated): gnomAD 0.00001; gnomAD exomes 0.00002; TOPMed 0.00002.
gnomAD v4.1: 24 of 1,612,142 alleles (0.0015%); highest among the groups gnomAD compares: Non-Finnish European, 0.0019%; no homozygotes.

Submission:

Ambry Genetics
Classification: Uncertain significance for Inborn genetic diseases. Last evaluated: 2020-11-20. Review status: criteria provided, single submitter. Criteria: Ambry Variant Classification Scheme 2023. Collection method: clinical testing. Allele origin: germline.
Comment: The p.I238T variant (also known as c.713T>C), located in coding exon 6 of the FAM134B gene, results from a T to C substitution at nucleotide position 713. The isoleucine at codon 238 is replaced by threonine, an amino acid with similar properties. This amino acid position is not well conserved in available vertebrate species. In addition, this alteration is predicted to be tolerated by in silico analysis. Since supporting evidence is limited at this time, the clinical significance of this alteration remains unclear.